The following is an entry in ClinVar:

ClinVar aggregate classification (germline): Uncertain significance (1 of 4 stars; one submission).

Conditions:
Vici syndrome (VICIS). Identifiers: Orphanet 1493, MedGen C1855772, MONDO:0009452, OMIM 242840.

Allele frequency attached by ClinVar (database versions not stated): gnomAD exomes 0.00001; gnomAD 0.00003; TOPMed 0.00003.
gnomAD v4.1: 13 of 1,610,338 alleles (0.00081%); highest among the groups gnomAD compares: African/African-American, 0.0013%; no homozygotes.

Submission:

Labcorp Genetics (formerly Invitae), Labcorp
Classification: Uncertain significance for Vici syndrome. Last evaluated: 2022-02-20. Review status: criteria provided, single submitter. Criteria: Invitae Variant Classification Sherloc (09022015). Collection method: clinical testing. Allele origin: germline.
Comment: This sequence change replaces valine, which is neutral and non-polar, with methionine, which is neutral and non-polar, at codon 1751 of the EPG5 protein (p.Val1751Met). This variant is not present in population databases (gnomAD no frequency). This variant has not been reported in the literature in individuals affected with EPG5-related conditions. Algorithms developed to predict the effect of missense changes on protein structure and function are either unavailable or do not agree on the potential impact of this missense change (SIFT: "Deleterious"; PolyPhen-2: "Possibly Damaging"; Align-GVGD: "Class C0"). In summary, the available evidence is currently insufficient to determine the role of this variant in disease. Therefore, it has been classified as a Variant of Uncertain Significance.

NM_020964.3(EPG5):c.5251G>A (p.Val1751Met)

Gene: EPG5 (ectopic P-granules 5 autophagy tethering factor; minus strand). Cytogenetic location: 18q12.3.
Variant type: single nucleotide variant.
Coding change: c.5251G>A on transcript NM_020964.3 (MANE Select); coding-DNA position 5251, G replaced by A.
Protein change: p.Val1751Met; replaces valine 1751 with methionine.
Molecular consequence: missense variant.
Genome position (GRCh38, 1-based): chr18:45,884,670, C>T on the plus strand (G>A on the coding strand, the complement: EPG5 is on the minus strand). VCF-style: chr18-45884670-C-T. GRCh37 (hg19) VCF-style: chr18-43464635-C-T.
Other names: c.5251G>A, p.Val1751Met (NM_001410858.1, NM_001410859.1); short protein forms V1751M.
Identifiers: ClinVar variation 2052998 (VCV002052998.1), dbSNP rs997958397, ClinGen allele CA299716247.
Genomic context (GRCh38, chr18:45,884,670, plus strand): 5'-ATCTTACCTTGGTTAGCAGCATGAAAATCATATCACTGTTGTCCTCACTTAGAAACTTCA[C>T]CACTTGCTCATACAGCTGTATGAACTCTGCAGGTGCAGCATTGGGAGTGAAGAAAGGAGA-3'
Protein context (NP_066015.2, residues 1741-1761): AEFIQLYEQV[Val1751Met]KFLSEDNSDM